The following is an entry in ClinVar:

NM_182961.4(SYNE1):c.23554G>A (p.Ala7852Thr)

Gene: SYNE1 (spectrin repeat containing nuclear envelope protein 1; minus strand). Cytogenetic location: 6q25.2.
Variant type: single nucleotide variant.
Coding change: c.23554G>A on transcript NM_182961.4 (MANE Select); coding-DNA position 23554, G replaced by A.
Protein change: p.Ala7852Thr; replaces alanine 7852 with threonine.
Molecular consequence: missense variant.
Genome position (GRCh38, 1-based): chr6:152,176,467, C>T on the plus strand (G>A on the coding strand, the complement: SYNE1 is on the minus strand). VCF-style: chr6-152176467-C-T. GRCh37 (hg19) VCF-style: chr6-152497602-C-T.
Other names: c.160G>A, p.Ala54Thr (NM_001347701.2); c.23341G>A, p.Ala7781Thr (NM_033071.5); short protein forms A7852T, A54T, A7781T.
Identifiers: ClinVar variation 3571925 (VCV003571925.1).
Genomic context (GRCh38, chr6:152,176,467, plus strand): 5'-GGTCCAGGAGATGCTGCCACCGGTCGTTGACCTTTCCCAGCTTGTATTCAATCTCAGATG[C>T]TTTGCTTTCATGGCTGGCTTTAGCAAGTCGTTCTCCCATTTGTTGGAGCTGTATTTTGTT-3'
Protein context (NP_892006.3, residues 7842-7862): RLAKASHESK[Ala7852Thr]SEIEYKLGKV

ClinVar aggregate classification (germline): Uncertain significance (1 of 4 stars; one submission).

gnomAD v4.1: 4 of 1,614,172 alleles (0.00025%); highest among the groups gnomAD compares: Admixed American, 0.0067%; no homozygotes.

Submission:

Athena Diagnostics
Classification: Uncertain significance. Last evaluated: 2024-01-11. Review status: criteria provided, single submitter. Criteria: Athena Diagnostics Criteria. Collection method: clinical testing. Allele origin: unknown.
Comment: Available data are insufficient to determine the clinical significance of the variant at this time. The frequency of this variant in the general population is uninformative in assessment of its pathogenicity. Computational tools disagree on the variant's effect on normal protein function.

Literature cited by the submitters: PubMed 29105743.